The following is an entry in ClinVar:

NM_007294.4(BRCA1):c.2918T>G (p.Leu973Arg)

Gene: BRCA1 (BRCA1 DNA repair associated; minus strand). Cytogenetic location: 17q21.31.
Variant type: single nucleotide variant.
Coding change: c.2918T>G on transcript NM_007294.4 (MANE Select); coding-DNA position 2918, T replaced by G.
Protein change: p.Leu973Arg; replaces leucine 973 with arginine.
Molecular consequence: missense variant. On other transcripts: intron variant (137).
Genome position (GRCh38, 1-based): chr17:43,092,613, A>C on the plus strand (T>G on the coding strand, the complement: BRCA1 is on the minus strand). VCF-style: chr17-43092613-A-C. GRCh37 (hg19) VCF-style: chr17-41244630-A-C.
Other names: c.2705T>G, p.Leu902Arg (NM_001407571.1, NM_001407915.1, NM_001407916.1 and 9 more transcripts); c.2918T>G, p.Leu973Arg (NM_001407581.1, NM_001407582.1, NM_001407583.1 and 30 more transcripts); c.2915T>G, p.Leu972Arg (NM_001407587.1, NM_001407590.1, NM_001407591.1 and 22 more transcripts); c.578-1581T>G (NM_001408479.1, NM_001408482.1, NM_001408481.1 and 9 more transcripts); c.662-1581T>G (NM_001408445.1, NM_001408432.1, NM_001408446.1 and 6 more transcripts); c.668-1581T>G (NM_001408431.1, NM_001408424.1, NM_001408421.1); c.785-1581T>G (NM_001408407.1, NM_001408402.1, NM_001408473.1 and 13 more transcripts); c.665-1581T>G (NM_001408443.1, NM_001408439.1, NM_001408425.1 and 12 more transcripts); and 41 more; short protein forms L677R, L805R, L845R, L846R, L861R, L862R, L884R, L885R.
Identifiers: ClinVar variation 2681806 (VCV002681806.2), dbSNP rs1040084590, ClinGen allele CA10596156.
Genomic context (GRCh38, chr17:43,092,613, plus strand): 5'-TTAGTTTTAACAAATGACTTGATGGGAAAAAGTGGTGGTATACGATATGGGTTTTGTAAA[A>C]GTCCATGTTTATTTGGAGTAATGAGTCCAGTTTCGTTGCCTCTGAACTGAGATGATAGAC-3'
Protein context (NP_009225.1, residues 963-983): TGLITPNKHG[Leu973Arg]LQNPYRIPPL

ClinVar aggregate classification (germline): Uncertain significance. Review status: criteria provided, multiple submitters, no conflicts (2 of 4 stars). 2 submissions from 2 submitters: Uncertain significance (2). Last evaluated 2026-03-30.

Conditions:
Hereditary cancer-predisposing syndrome. Also called: Tumor predisposition; Hereditary neoplastic syndrome; Neoplastic Syndromes, Hereditary; Hereditary Cancer Syndrome. Identifiers: Orphanet 140162, MedGen C0027672, MeSH D009386, MONDO:0015356.

Submissions (2):

Ambry Genetics
Classification: Uncertain significance for Hereditary cancer-predisposing syndrome. Last evaluated: 2026-03-30. Review status: criteria provided, single submitter. Criteria: Ambry Variant Classification Scheme 2023. Collection method: clinical testing. Allele origin: germline.
Comment: The p.L973R variant (also known as c.2918T>G), located in coding exon 9 of the BRCA1 gene, results from a T to G substitution at nucleotide position 2918. The leucine at codon 973 is replaced by arginine, an amino acid with dissimilar properties. This amino acid position is poorly conserved in available vertebrate species. In addition, the in silico prediction for this alteration is inconclusive. Based on the available evidence, the clinical significance of this variant remains unclear.

Quest Diagnostics Nichols Institute San Juan Capistrano
Classification: Uncertain significance. Last evaluated: 2023-09-21. Review status: criteria provided, single submitter. Criteria: Quest Diagnostics criteria. Collection method: clinical testing. Allele origin: unknown.
Comment: To the best of our knowledge, this variant has not been reported in the published literature. It also has not been reported in large, multi-ethnic general populations (Genome Aggregation Database). Analysis of this variant using bioinformatics tools for the prediction of the effect of amino acid changes on protein structure and function yielded conflicting predictions that this variant is benign or damaging. Based on the available information, we are unable to determine the clinical significance of this variant.